The following is an entry in ClinVar:

ClinVar aggregate classification (germline): Uncertain significance. Review status: criteria provided, multiple submitters, no conflicts (2 of 4 stars). 4 submissions from 4 submitters: Uncertain significance (4). Last evaluated 2025-08-25.

Conditions:
Inborn genetic diseases. Identifiers: MedGen C0950123, MeSH D030342.
Myopathy, proximal, and ophthalmoplegia (CMYO6). Also called: INCLUSION BODY MYOPATHY 3, AUTOSOMAL DOMINANT; CONGENITAL MYOPATHY 6 WITH OPHTHALMOPLEGIA; MYOPATHY WITH CONGENITAL JOINT CONTRACTURES, OPHTHALMOPLEGIA, AND RIMMED VACUOLES. Identifiers: Orphanet 363677, Orphanet 79091, MedGen C1854106, MONDO:0011577, OMIM 605637.

Allele frequency attached by ClinVar (database versions not stated): ExAC 0.00007; gnomAD exomes 0.00007 and 0.00009; TOPMed 0.00007; gnomAD 0.00008.

Submissions (4):

Labcorp Genetics (formerly Invitae), Labcorp
Classification: Uncertain significance for Myopathy, proximal, and ophthalmoplegia. Last evaluated: 2025-08-25. Review status: criteria provided, single submitter. Criteria: Invitae Variant Classification Sherloc (09022015). Collection method: clinical testing. Allele origin: germline.
Comment: This sequence change replaces histidine, which is basic and polar, with arginine, which is basic and polar, at codon 1191 of the MYH2 protein (p.His1191Arg). This variant is present in population databases (rs747186072, gnomAD 0.04%). This variant has not been reported in the literature in individuals affected with MYH2-related conditions. ClinVar contains an entry for this variant (Variation ID: 465937). Invitae Evidence Modeling of protein sequence and biophysical properties (such as structural, functional, and spatial information, amino acid conservation, physicochemical variation, residue mobility, and thermodynamic stability) indicates that this missense variant is not expected to disrupt MYH2 protein function with a negative predictive value of 80%. In summary, the available evidence is currently insufficient to determine the role of this variant in disease. Therefore, it has been classified as a Variant of Uncertain Significance.

GeneDx
Classification: Uncertain significance. Last evaluated: 2025-04-22. Review status: criteria provided, single submitter. Criteria: GeneDx Variant Classification Process June 2021. Collection method: clinical testing. Allele origin: germline. Affected: yes.
Comment: In silico analysis supports that this missense variant has a deleterious effect on protein structure/function; Has not been previously published as pathogenic or benign to our knowledge

Ambry Genetics
Classification: Uncertain significance for Inborn genetic diseases. Last evaluated: 2024-01-19. Review status: criteria provided, single submitter. Criteria: Ambry Variant Classification Scheme 2023. Collection method: clinical testing. Allele origin: germline.

Revvity Omics, Revvity
Classification: Uncertain significance for Myopathy, proximal, and ophthalmoplegia. Last evaluated: 2023-03-15. Review status: criteria provided, single submitter. Criteria: ACMG Guidelines, 2015. Collection method: clinical testing. Allele origin: germline.

NM_017534.6(MYH2):c.3572A>G (p.His1191Arg)

Genes: MYHAS (myosin heavy chain gene cluster antisense RNA; plus strand), MYH2 (myosin heavy chain 2; minus strand). Cytogenetic location: 17p13.1.
Variant type: single nucleotide variant.
Coding change: c.3572A>G on transcript NM_017534.6 (MANE Select); coding-DNA position 3572, A replaced by G.
Protein change: p.His1191Arg; replaces histidine 1191 with arginine.
Molecular consequence: missense variant.
Genome position (GRCh38, 1-based): chr17:10,528,862, T>C on the plus strand (A>G on the coding strand, the complement: MYH2 is on the minus strand). VCF-style: chr17-10528862-T-C. GRCh37 (hg19) VCF-style: chr17-10432179-T-C.
Other names: c.3572A>G, p.His1191Arg (NM_001100112.2); short protein forms H1191R.
Identifiers: ClinVar variation 465937 (VCV000465937.12), dbSNP rs747186072, ClinGen allele CA8390864.